The following is an entry in ClinVar:

NM_000038.6(APC):c.3061_3076dup (p.Asn1026fs)

Gene: APC (APC regulator of Wnt signaling pathway; plus strand). Cytogenetic location: 5q22.2.
Variant type: Duplication.
Coding change: c.3061_3076dup on transcript NM_000038.6 (MANE Select); coding-DNA positions 3061 to 3076, 16 bases duplicated (CTAGATACACCAATAA).
Protein change: p.Asn1026fs; shifts the reading frame from asparagine 1026.
Molecular consequence: frameshift variant. On other transcripts: non-coding transcript variant (2).
Genome position (GRCh38, 1-based): chr5:112,838,655-112,838,670, CTAGATACACCAATAA duplicated; duplicating any 16 consecutive bases within chr5:112,838,653-112,838,670 gives the same sequence; the c. name uses the placement nearest the transcript's 3' end. VCF-style (leftmost placement, unchanged base first): chr5-112838652-G-GAACTAGATACACCAAT. GRCh37 (hg19) VCF-style: chr5-112174349-G-GAACTAGATACACCAAT.
Other names: c.3061_3076dup, p.Asn1026fs (NM_001127510.3, NM_001354895.2, NM_001407450.1); c.3007_3022dup, p.Asn1008fs (NM_001127511.3); c.3115_3130dup, p.Asn1044fs (NM_001354896.2, NM_001407447.1, NM_001407448.1 and 1 more transcripts); c.3091_3106dup, p.Asn1036fs (NM_001354897.2); c.2986_3001dup, p.Asn1001fs (NM_001354898.2); c.2977_2992dup, p.Asn998fs (NM_001354899.2); c.2938_2953dup, p.Asn985fs (NM_001354900.2); c.2884_2899dup, p.Asn967fs (NM_001354901.2, NM_001407453.1); and 11 more; short protein forms N1016fs, N1036fs, N1001fs, N1008fs, N1026fs, N935fs, N985fs, N998fs.
Identifiers: ClinVar variation 3882542 (VCV003882542.1).

ClinVar aggregate classification (germline): Pathogenic (1 of 4 stars; one submission).

Conditions:
Hereditary cancer-predisposing syndrome. Also called: Tumor predisposition; Neoplastic Syndromes, Hereditary; Hereditary Cancer Syndrome; Hereditary neoplastic syndrome. Identifiers: Orphanet 140162, MedGen C0027672, MeSH D009386, MONDO:0015356.

Submission:

Ambry Genetics
Classification: Pathogenic for Hereditary cancer-predisposing syndrome. Last evaluated: 2025-03-10. Review status: criteria provided, single submitter. Criteria: Ambry Variant Classification Scheme 2023. Collection method: clinical testing. Allele origin: germline.
Comment: The c.3061_3076dup16 variant, located in coding exon 15 of the APC gene, results from a duplication of CTAGATACACCAATAA at nucleotide position 3061, causing a translational frameshift with a predicted alternate stop codon (p.N1026Tfs*8). This variant is considered to be rare based on population cohorts in the Genome Aggregation Database (gnomAD). This alteration is expected to result in loss of function by premature protein truncation or nonsense-mediated mRNA decay. As such, this alteration is interpreted as a disease-causing mutation.